The following is an entry in ClinVar:

NM_001614.5(ACTG1):c.611C>G (p.Ala204Gly)

Gene: ACTG1 (actin gamma 1; minus strand). Cytogenetic location: 17q25.3.
Variant type: single nucleotide variant.
Coding change: c.611C>G on transcript NM_001614.5 (MANE Select); coding-DNA position 611, C replaced by G.
Protein change: p.Ala204Gly; replaces alanine 204 with glycine.
Molecular consequence: missense variant. On other transcripts: non-coding transcript variant (1).
Genome position (GRCh38, 1-based): chr17:81,511,379, G>C on the plus strand (C>G on the coding strand, the complement: ACTG1 is on the minus strand). VCF-style: chr17-81511379-G-C. GRCh37 (hg19) VCF-style: chr17-79478405-G-C.
Other names: c.611C>G, p.Ala204Gly (NM_001199954.3); short protein forms A204G.
Identifiers: ClinVar variation 452404 (VCV000452404.6), dbSNP rs11549225, ClinGen allele CA401460450.
Genomic context (GRCh38, chr17:81,511,379, plus strand): 5'-TCGAAGTCCAGGGCGACGTAGCACAGCTTCTCCTTGATGTCGCGCACGATTTCCCGCTCG[G>C]CCGTGGTGGTGAAGCTGTAGCCTCGCTCAGTGAGGATCTTCATGAGGTAGTCGGTCAGGT-3'
Protein context (NP_001605.1, residues 194-214): TERGYSFTTT[Ala204Gly]EREIVRDIKE

ClinVar aggregate classification (germline): Likely pathogenic. Review status: criteria provided, multiple submitters, no conflicts (2 of 4 stars). 2 submissions from 2 submitters: Likely pathogenic (2). Last evaluated 2020-07-14.

Conditions:
Baraitser-winter syndrome 2. Identifiers: Orphanet 2995, MedGen C3281235, MONDO:0013812, OMIM 614583.

Submissions (2):

Undiagnosed Diseases Network, NIH
Classification: Likely pathogenic for Baraitser-winter syndrome 2. Last evaluated: 2020-07-14. Review status: criteria provided, single submitter. Criteria: ACMG Guidelines, 2015. Collection method: clinical testing. Allele origin: de novo. Inheritance: Autosomal dominant inheritance. Affected: yes. Observed: 1 variant allele, 1 heterozygote. Study: Undiagnosed Diseases Network (NIH), UDN.
Comment: This is a de novo heterozygous missense variant in ACTG1. This variant is absent from internal and external control samples. It is a probably damaging missense variant with a PolyPhen2 score of 0.916. ACTG1 is an intolerant gene with an RVIS score of 2.8. This site is strongly conserved with a GERP++ RS score of 4.56. Note: the patient supporting this variant interpretation is the same patient reported by GeneDx in SCV000621212.2.

GeneDx
Classification: Likely pathogenic. Last evaluated: 2017-09-27. Review status: criteria provided, single submitter. Criteria: GeneDx Variant Classification (06012015). Collection method: clinical testing. Allele origin: germline. Affected: yes.
Comment: The A204G variant in the ACTG1 gene has not been reported previously as a pathogenic variant, nor as a benign variant, to our knowledge. The A204G variant is not observed in the gnomAD dataset (Lek et al., 2016). The A204G variant is a conservative amino acid substitution, which occurs at a position that is conserved across species. In silico analysis predicts this variant is probably damaging to the protein structure/function. We interpret A204G as a likely pathogenic variant.